The following is an entry in ClinVar:

NM_000430.4(PAFAH1B1):c.914G>A (p.Gly305Asp)

Gene: PAFAH1B1 (platelet activating factor acetylhydrolase 1b regulatory subunit 1; plus strand). Cytogenetic location: 17p13.3.
Variant type: single nucleotide variant.
Coding change: c.914G>A on transcript NM_000430.4 (MANE Select); coding-DNA position 914, G replaced by A.
Protein change: p.Gly305Asp; replaces glycine 305 with aspartic acid.
Molecular consequence: missense variant.
Genome position (GRCh38, 1-based): chr17:2,676,518, G>A. VCF-style: chr17-2676518-G-A. GRCh37 (hg19) VCF-style: chr17-2579812-G-A.
Other names: short protein forms G305D.
Identifiers: ClinVar variation 2833637 (VCV002833637.3), dbSNP rs2544111900, ClinGen allele CA397642150.

ClinVar aggregate classification (germline): Uncertain significance (1 of 4 stars; one submission).

Submission:

Labcorp Genetics (formerly Invitae), Labcorp
Classification: Uncertain significance. Last evaluated: 2023-08-03. Review status: criteria provided, single submitter. Criteria: Invitae Variant Classification Sherloc (09022015). Collection method: clinical testing. Allele origin: germline.
Comment: This variant is not present in population databases (gnomAD no frequency). This variant has not been reported in the literature in individuals affected with PAFAH1B1-related conditions. An algorithm developed to predict the effect of missense changes on protein structure and function (PolyPhen-2) suggests that this variant is likely to be tolerated. In summary, the available evidence is currently insufficient to determine the role of this variant in disease. Therefore, it has been classified as a Variant of Uncertain Significance. This sequence change replaces glycine, which is neutral and non-polar, with aspartic acid, which is acidic and polar, at codon 305 of the PAFAH1B1 protein (p.Gly305Asp).